The following is an entry in ClinVar:

ClinVar aggregate classification (germline): Benign. Review status: criteria provided, single submitter (1 of 4 stars). 2 submissions from 2 submitters: Benign (1). 1 of the submissions does not count toward it. Last evaluated 2026-01-05.

Conditions:
FBN3-related disorder. Also called: FBN3-related condition.

Allele frequency attached by ClinVar (database versions not stated): TOPMed 0.00013; gnomAD 0.00048; gnomAD exomes 0.00083; ExAC 0.00175; 1000 Genomes Project 30x 0.00219; 1000 Genomes Project 0.00240.
gnomAD v4.1: 1,290 of 1,613,894 alleles (0.08%); highest among the groups gnomAD compares: South Asian, 1.3%; 19 homozygotes.

Submissions (2):

Labcorp Genetics (formerly Invitae), Labcorp
Classification: Benign. Last evaluated: 2026-01-05. Review status: criteria provided, single submitter. Criteria: Invitae Variant Classification Sherloc (09022015). Collection method: clinical testing. Allele origin: germline.

PreventionGenetics, part of Exact Sciences
Classification: Benign for FBN3-related condition. Last evaluated: 2019-11-16. Review status: no assertion criteria provided. Collection method: clinical testing. Allele origin: germline. Not counted in ClinVar's aggregate classification.
Comment: This variant is classified as benign based on ACMG/AMP sequence variant interpretation guidelines (Richards et al. 2015 PMID: 25741868, with internal and published modifications).

NM_032447.5(FBN3):c.5906-5T>C

Gene: FBN3 (fibrillin 3; minus strand). Cytogenetic location: 19p13.2.
Variant type: single nucleotide variant.
Coding change: c.5906-5T>C on transcript NM_032447.5 (MANE Select); 5 bases into the intron before coding-DNA position 5906, T replaced by C.
Molecular consequence: intron variant.
Genome position (GRCh38, 1-based): chr19:8,091,595, A>G on the plus strand (T>C on the coding strand, the complement: FBN3 is on the minus strand). VCF-style: chr19-8091595-A-G. GRCh37 (hg19) VCF-style: chr19-8156479-A-G.
Other names: c.5906-5T>C (NM_001321431.2, NM_001321431.1).
Identifiers: ClinVar variation 2072082 (VCV002072082.6), dbSNP rs376609508, ClinGen allele CA9151480.